The following is an entry in ClinVar:

NM_019841.7(TRPV5):c.1829G>A (p.Arg610His)

Gene: TRPV5 (transient receptor potential cation channel subfamily V member 5; minus strand). Cytogenetic location: 7q34.
Variant type: single nucleotide variant.
Coding change: c.1829G>A on transcript NM_019841.7 (MANE Select); coding-DNA position 1829, G replaced by A.
Protein change: p.Arg610His; replaces arginine 610 with histidine.
Molecular consequence: missense variant.
Genome position (GRCh38, 1-based): chr7:142,909,556, C>T on the plus strand (G>A on the coding strand, the complement: TRPV5 is on the minus strand). VCF-style: chr7-142909556-C-T. GRCh37 (hg19) VCF-style: chr7-142606722-C-T.
Other names: short protein forms R610H.
Identifiers: ClinVar variation 64569 (VCV000064569.2), dbSNP rs387907543, ClinGen allele CA216419.

ClinVar aggregate classification (germline): Uncertain significance (0 of 4 stars; one submission).

Allele frequency attached by ClinVar (database versions not stated): gnomAD exomes 0.00002; ExAC 0.00001.

Submission:

Martin Pollak Laboratory,  Beth Israel Deaconess Medical Center
Classification: Uncertain significance. Review status: no assertion criteria provided. Collection method: not provided. Allele origin: unknown.
Comment: Higher UCa2+ group
ClinVar note: Converted during submission from unknown to Uncertain significance.